The following is an entry in ClinVar:

NM_001079.4(ZAP70):c.1103T>A (p.Ile368Asn)

Gene: ZAP70 (zeta chain of T cell receptor associated protein kinase 70; plus strand). Cytogenetic location: 2q11.2.
Variant type: single nucleotide variant.
Coding change: c.1103T>A on transcript NM_001079.4 (MANE Select); coding-DNA position 1103, T replaced by A.
Protein change: p.Ile368Asn; replaces isoleucine 368 with asparagine.
Molecular consequence: missense variant.
Genome position (GRCh38, 1-based): chr2:97,735,270, T>A. VCF-style: chr2-97735270-T-A. GRCh37 (hg19) VCF-style: chr2-98351733-T-A.
Other names: c.1103T>A, p.Ile368Asn (NM_001378594.1); c.182T>A, p.Ile61Asn (NM_207519.2); short protein forms I61N, I368N.
Identifiers: ClinVar variation 2695339 (VCV002695339.4), dbSNP rs2482766631, ClinGen allele CA347801336.

ClinVar aggregate classification (germline): Uncertain significance. Review status: criteria provided, multiple submitters, no conflicts (2 of 4 stars). 2 submissions from 2 submitters: Uncertain significance (2). Last evaluated 2024-01-02.

Conditions:
Combined immunodeficiency due to ZAP70 deficiency (IMD48). Also called: ZAP70 Deficiency; Immunodeficiency 48. Identifiers: Orphanet 911, MedGen C2931299, MONDO:0010023, OMIM 269840.

Submissions (2):

GeneDx
Classification: Uncertain significance. Last evaluated: 2024-01-02. Review status: criteria provided, single submitter. Criteria: GeneDx Variant Classification Process June 2021. Collection method: clinical testing. Allele origin: germline. Affected: yes.
Comment: Not observed at significant frequency in large population cohorts (gnomAD); In silico analysis supports that this missense variant has a deleterious effect on protein structure/function; Has not been previously published as pathogenic or benign to our knowledge

Labcorp Genetics (formerly Invitae), Labcorp
Classification: Uncertain significance for Combined immunodeficiency due to ZAP70 deficiency. Last evaluated: 2023-11-19. Review status: criteria provided, single submitter. Criteria: Invitae Variant Classification Sherloc (09022015). Collection method: clinical testing. Allele origin: germline.
Comment: This sequence change replaces isoleucine, which is neutral and non-polar, with asparagine, which is neutral and polar, at codon 368 of the ZAP70 protein (p.Ile368Asn). This variant is not present in population databases (gnomAD no frequency). This variant has not been reported in the literature in individuals affected with ZAP70-related conditions. An algorithm developed to predict the effect of missense changes on protein structure and function (PolyPhen-2) suggests that this variant is likely to be disruptive. In summary, the available evidence is currently insufficient to determine the role of this variant in disease. Therefore, it has been classified as a Variant of Uncertain Significance.